The following is an entry in ClinVar:

NM_001122764.3(PPOX):c.667C>T (p.Arg223Cys)

Gene: PPOX (protoporphyrinogen oxidase; plus strand). Cytogenetic location: 1q23.3.
Variant type: single nucleotide variant.
Coding change: c.667C>T on transcript NM_001122764.3 (MANE Select); coding-DNA position 667, C replaced by T.
Protein change: p.Arg223Cys; replaces arginine 223 with cysteine.
Molecular consequence: missense variant.
Genome position (GRCh38, 1-based): chr1:161,169,043, C>T. VCF-style: chr1-161169043-C-T. GRCh37 (hg19) VCF-style: chr1-161138833-C-T.
Other names: c.181C>T, p.Arg61Cys (NM_001350131.2, NM_001365401.1, NM_001350130.2); c.667C>T, p.Arg223Cys (NM_001365398.1, NM_001365399.1, NM_000309.5); c.259C>T, p.Arg87Cys (NM_001365400.1, NM_001350129.2); c.568C>T, p.Arg190Cys (NM_001350128.2); short protein forms R223C, R87C, R190C, R61C.
Identifiers: ClinVar variation 2899215 (VCV002899215.3), dbSNP rs141116029, ClinGen allele CA1207223.

ClinVar aggregate classification (germline): Uncertain significance (1 of 4 stars; one submission).

Allele frequency attached by ClinVar (database versions not stated): gnomAD exomes below 0.00001; TOPMed below 0.00001; ExAC 0.00001; gnomAD 0.00001; ESP Exome Variant Server 0.00008.
gnomAD v4.1: 8 of 1,614,080 alleles (0.0005%); highest among the groups gnomAD compares: Non-Finnish European, 0.00068%; no homozygotes.

Submission:

Labcorp Genetics (formerly Invitae), Labcorp
Classification: Uncertain significance. Last evaluated: 2023-10-25. Review status: criteria provided, single submitter. Criteria: Invitae Variant Classification Sherloc (09022015). Collection method: clinical testing. Allele origin: germline.
Comment: This sequence change replaces arginine, which is basic and polar, with cysteine, which is neutral and slightly polar, at codon 223 of the PPOX protein (p.Arg223Cys). This variant is present in population databases (rs141116029, gnomAD 0.002%). This variant has not been reported in the literature in individuals affected with PPOX-related conditions. Advanced modeling of protein sequence and biophysical properties (such as structural, functional, and spatial information, amino acid conservation, physicochemical variation, residue mobility, and thermodynamic stability) has been performed at Invitae for this missense variant, however the output from this modeling did not meet the statistical confidence thresholds required to predict the impact of this variant on PPOX protein function. In summary, the available evidence is currently insufficient to determine the role of this variant in disease. Therefore, it has been classified as a Variant of Uncertain Significance.